The following is an entry in ClinVar:

ClinVar aggregate classification (germline): Uncertain significance (1 of 4 stars; one submission).

Conditions:
Cardiovascular phenotype. Identifiers: MedGen CN230736.

Submission:

Ambry Genetics
Classification: Uncertain significance for Cardiovascular phenotype. Last evaluated: 2020-01-21. Review status: criteria provided, single submitter. Criteria: Ambry Variant Classification Scheme 2023. Collection method: clinical testing. Allele origin: germline.
Comment: The p.E3400K variant (also known as c.10198G>A), located in coding exon 41 of the AKAP9 gene, results from a G to A substitution at nucleotide position 10198. The glutamic acid at codon 3400 is replaced by lysine, an amino acid with similar properties. This amino acid position is not well conserved in available vertebrate species. In addition, this alteration is predicted to be tolerated by in silico analysis. Since supporting evidence is limited at this time, the clinical significance of this alteration remains unclear.

NM_005751.5(AKAP9):c.10198G>A (p.Glu3400Lys)

Gene: AKAP9 (A-kinase anchoring protein 9; plus strand). Cytogenetic location: 7q21.2.
Variant type: single nucleotide variant.
Coding change: c.10198G>A on transcript NM_005751.5 (MANE Select); coding-DNA position 10198, G replaced by A.
Protein change: p.Glu3400Lys; replaces glutamic acid 3400 with lysine.
Molecular consequence: missense variant.
Genome position (GRCh38, 1-based): chr7:92,097,157, G>A. VCF-style: chr7-92097157-G-A. GRCh37 (hg19) VCF-style: chr7-91726471-G-A.
Other names: c.4843G>A, p.Glu1615Lys (NM_001379277.1); c.10174G>A, p.Glu3392Lys (NM_147185.3); short protein forms E3400K, E1615K, E3392K.
Identifiers: ClinVar variation 1752193 (VCV001752193.2), dbSNP rs2535300823, ClinGen allele CA368154221.